The following is an entry in ClinVar:

ClinVar aggregate classification (germline): Likely pathogenic (1 of 4 stars; one submission).

Conditions:
Usher syndrome type 1F (USH1F). Also called: USHER SYNDROME, TYPE IF. Identifiers: Orphanet 231169, Orphanet 886, MedGen C1865885, MONDO:0011186, OMIM 602083.

Submission:

Natera, Inc.
Classification: Likely pathogenic for Usher syndrome type 1F. Last evaluated: 2025-11-17. Review status: criteria provided, single submitter. Criteria: Natera Variant Classification Schema (03/2026). Collection method: clinical testing. Allele origin: germline.
Comment: The c.3497_3501+5del variant in PCDH15 is a frameshift variant predicted to shift the reading frame and introduce a stop codon. This variant is expected to result in nonsense mediated decay, truncation, or a dysfunctional protein product. This variant is rare in the general population with a frequency below the threshold expected for the associated phenotype(s). Given the available evidence, this variant is classified as Likely Pathogenic.

NM_001384140.1(PCDH15):c.3497_3501+5del

Gene: PCDH15 (protocadherin related 15; minus strand). Cytogenetic location: 10q21.1.
Variant type: Deletion.
Coding change: c.3497_3501+5del on transcript NM_001384140.1 (MANE Select); coding-DNA position 3497 through 5 bases into the intron after coding-DNA position 3501, 10 bases deleted (TGAAGGTATG; older notation c.3497_3501+5delTGAAGGTATG).
Molecular consequence: splice donor variant.
Genome position (GRCh38, 1-based): chr10:53,903,238-53,903,247, CATACCTTCA deleted on the plus strand (TGAAGGTATG on the coding strand, the reverse complement: PCDH15 is on the minus strand); deleting any 10 consecutive bases within chr10:53,903,238-53,903,248 gives the same sequence; the c. name uses the placement nearest the transcript's 3' end. VCF-style (leftmost placement, unchanged base first): chr10-53903237-GCATACCTTCA-G. GRCh37 (hg19) VCF-style: chr10-55662997-GCATACCTTCA-G.
Other names: c.3497_3501+5del (NM_001354420.2, NM_001354429.2, NM_001142772.2 and 4 more transcripts); c.3512_3516+5del (NM_001142771.2, NM_001142763.2); c.3518_3522+5del (NM_001354411.2); c.3533_3537+5del (NM_001142769.3); c.3431_3435+5del (NM_001354404.2, NM_001142773.2, NM_001142768.2); c.3386_3390+5del (NM_001142767.2); c.3284_3288+5del (NM_001142765.2).
Identifiers: ClinVar variation 4816368 (VCV004816368.1).